The following is an entry in ClinVar:

NM_021035.3(ZNFX1):c.5680G>T (p.Asp1894Tyr)

Gene: ZNFX1 (zinc finger NFX1-type containing 1; minus strand). Cytogenetic location: 20q13.13.
Variant type: single nucleotide variant.
Coding change: c.5680G>T on transcript NM_021035.3 (MANE Select); coding-DNA position 5680, G replaced by T.
Protein change: p.Asp1894Tyr; replaces aspartic acid 1894 with tyrosine.
Molecular consequence: missense variant.
Genome position (GRCh38, 1-based): chr20:49,247,344, C>A on the plus strand (G>T on the coding strand, the complement: ZNFX1 is on the minus strand). VCF-style: chr20-49247344-C-A. GRCh37 (hg19) VCF-style: chr20-47863881-C-A.
Other names: short protein forms D1894Y.
Identifiers: ClinVar variation 3360637 (VCV003360637.1).

ClinVar aggregate classification (germline): Uncertain significance (1 of 4 stars; one submission).

gnomAD v4.1: 5 of 1,614,056 alleles (0.00031%); highest among the groups gnomAD compares: Non-Finnish European, 0.00042%; no homozygotes.

Submission:

GeneDx
Classification: Uncertain significance. Last evaluated: 2023-07-01. Review status: criteria provided, single submitter. Criteria: GeneDx Variant Classification Process June 2021. Collection method: clinical testing. Allele origin: germline. Affected: yes.
Comment: Has not been previously published as pathogenic or benign to our knowledge; In silico analysis supports that this missense variant has a deleterious effect on protein structure/function